The following is an entry in ClinVar:

NM_001330723.2(SNX27):c.913G>T (p.Ala305Ser)

Gene: SNX27 (sorting nexin 27; plus strand). Cytogenetic location: 1q21.3.
Variant type: single nucleotide variant.
Coding change: c.913G>T on transcript NM_001330723.2 (MANE Select); coding-DNA position 913, G replaced by T.
Protein change: p.Ala305Ser; replaces alanine 305 with serine.
Molecular consequence: missense variant.
Genome position (GRCh38, 1-based): chr1:151,665,939, G>T. VCF-style: chr1-151665939-G-T. GRCh37 (hg19) VCF-style: chr1-151638415-G-T.
Other names: c.913G>T, p.Ala305Ser (NM_030918.6); short protein forms A305S.
Identifiers: ClinVar variation 952248 (VCV000952248.10), dbSNP rs778236794, ClinGen allele CA341963883.

ClinVar aggregate classification (germline): Uncertain significance (1 of 4 stars; one submission).

Conditions:
Severe myoclonic epilepsy in infancy (DRVT). Also called: Dravet syndrome; Epileptic encephalopathy, early infantile, 6 (Dravet syndrome); SEVERE MYOCLONIC EPILEPSY OF INFANCY; DEVELOPMENTAL AND EPILEPTIC ENCEPHALOPATHY 6A; Severe Myoclonic Epilepsy in Infancy (SMEI). Identifiers: Orphanet 33069, MedGen C0751122, MONDO:0100135, OMIM 607208.

gnomAD v4.1: 1 of 1,596,852 alleles (0.000063%); no homozygotes.

Submission:

Labcorp Genetics (formerly Invitae), Labcorp
Classification: Uncertain significance for Severe myoclonic epilepsy in infancy. Last evaluated: 2019-05-16. Review status: criteria provided, single submitter. Criteria: Invitae Variant Classification Sherloc (09022015). Collection method: clinical testing. Allele origin: germline.
Comment: In summary, the available evidence is currently insufficient to determine the role of this variant in disease. Therefore, it has been classified as a Variant of Uncertain Significance. Algorithms developed to predict the effect of missense changes on protein structure and function (SIFT, PolyPhen-2, Align-GVGD) all suggest that this variant is likely to be tolerated, but these predictions have not been confirmed by published functional studies and their clinical significance is uncertain. This variant has not been reported in the literature in individuals with SNX27-related conditions. This variant is not present in population databases (ExAC no frequency). This sequence change replaces alanine with serine at codon 305 of the SNX27 protein (p.Ala305Ser). The alanine residue is moderately conserved and there is a moderate physicochemical difference between alanine and serine.